The following is an entry in ClinVar:

NM_001283009.2(RTEL1):c.77C>T (p.Thr26Ile)

Genes: RTEL1 (regulator of telomere elongation helicase 1; plus strand), RTEL1-TNFRSF6B (RTEL1-TNFRSF6B readthrough (NMD candidate); plus strand). Cytogenetic location: 20q13.33.
Variant type: single nucleotide variant.
Coding change: c.77C>T on transcript NM_001283009.2 (MANE Select); coding-DNA position 77, C replaced by T.
Protein change: p.Thr26Ile; replaces threonine 26 with isoleucine.
Molecular consequence: missense variant. On other transcripts: non-coding transcript variant (1), intron variant (1).
Genome position (GRCh38, 1-based): chr20:63,659,479, C>T. VCF-style: chr20-63659479-C-T. GRCh37 (hg19) VCF-style: chr20-62290832-C-T.
Other names: c.77C>T, p.Thr26Ile (NM_016434.4, NM_032957.5); c.-568+1020C>T (NM_001283010.1); short protein forms T26I.
Identifiers: ClinVar variation 3761812 (VCV003761812.1).

ClinVar aggregate classification (germline): Uncertain significance (1 of 4 stars; one submission).

Conditions:
Dyskeratosis congenita, autosomal recessive 5 (DKCB5). Identifiers: MedGen C3554656, MONDO:0014076, OMIM 615190.
Pulmonary fibrosis and/or bone marrow failure, Telomere-related, 3. Also called: PULMONARY FIBROSIS AND/OR BONE MARROW FAILURE SYNDROME, TELOMERE-RELATED, 3. Identifiers: Orphanet 2032, MedGen C4225346, MONDO:0014613, OMIM 616373.

gnomAD v4.1: 3 of 1,613,964 alleles (0.00019%); highest among the groups gnomAD compares: Middle Eastern, 0.016%; no homozygotes.

Submission:

Labcorp Genetics (formerly Invitae), Labcorp
Classification: Uncertain significance for Dyskeratosis congenita, autosomal recessive 5; Pulmonary fibrosis and/or bone marrow failure, Telomere-related, 3. Last evaluated: 2024-10-09. Review status: criteria provided, single submitter. Criteria: Invitae Variant Classification Sherloc (09022015). Collection method: clinical testing. Allele origin: germline.
Comment: This sequence change replaces threonine, which is neutral and polar, with isoleucine, which is neutral and non-polar, at codon 26 of the RTEL1 protein (p.Thr26Ile). This variant is present in population databases (rs773115541, gnomAD 0.002%). This variant has not been reported in the literature in individuals affected with RTEL1-related conditions. An algorithm developed to predict the effect of missense changes on protein structure and function (PolyPhen-2) suggests that this variant¬¨‚Ä†is likely to be tolerated. In summary, the available evidence is currently insufficient to determine the role of this variant in disease. Therefore, it has been classified as a Variant of Uncertain Significance.